The following is an entry in ClinVar:

NM_005585.5(SMAD6):c.1265G>A (p.Gly422Asp)

Gene: SMAD6 (SMAD family member 6; plus strand). Cytogenetic location: 15q22.31.
Variant type: single nucleotide variant.
Coding change: c.1265G>A on transcript NM_005585.5 (MANE Select); coding-DNA position 1265, G replaced by A.
Protein change: p.Gly422Asp; replaces glycine 422 with aspartic acid.
Molecular consequence: missense variant. On other transcripts: non-coding transcript variant (1).
Genome position (GRCh38, 1-based): chr15:66,781,309, G>A. VCF-style: chr15-66781309-G-A. GRCh37 (hg19) VCF-style: chr15-67073647-G-A.
Other names: short protein forms G422D.
Identifiers: ClinVar variation 2568132 (VCV002568132.2), dbSNP rs2541898501, ClinGen allele CA393202191.

ClinVar aggregate classification (germline): Uncertain significance (1 of 4 stars; one submission).

Conditions:
Inborn genetic diseases. Identifiers: MedGen C0950123, MeSH D030342.

gnomAD v4.1: 3 of 1,601,308 alleles (0.00019%); highest among the groups gnomAD compares: Non-Finnish European, 0.00017%; no homozygotes.

Submission:

Ambry Genetics
Classification: Uncertain significance for Inborn genetic diseases. Last evaluated: 2023-05-18. Review status: criteria provided, single submitter. Criteria: Ambry Variant Classification Scheme 2023. Collection method: clinical testing. Allele origin: germline.
Comment: The p.G422D variant (also known as c.1265G>A), located in coding exon 4 of the SMAD6 gene, results from a G to A substitution at nucleotide position 1265. The glycine at codon 422 is replaced by aspartic acid, an amino acid with similar properties. This amino acid position is conserved. In addition, the in silico prediction for this alteration is inconclusive. Since supporting evidence is limited at this time, the clinical significance of this alteration remains unclear.